The following is an entry in ClinVar:

NM_000368.5(TSC1):c.3229A>T (p.Thr1077Ser)

Gene: TSC1 (TSC complex subunit 1; minus strand). Cytogenetic location: 9q34.13.
Variant type: single nucleotide variant.
Coding change: c.3229A>T on transcript NM_000368.5 (MANE Select); coding-DNA position 3229, A replaced by T.
Protein change: p.Thr1077Ser; replaces threonine 1077 with serine.
Molecular consequence: missense variant. On other transcripts: non-coding transcript variant (5).
Genome position (GRCh38, 1-based): chr9:132,896,501, T>A on the plus strand (A>T on the coding strand, the complement: TSC1 is on the minus strand). VCF-style: chr9-132896501-T-A. GRCh37 (hg19) VCF-style: chr9-135771888-T-A.
Other names: c.3226A>T, p.Thr1076Ser (NM_001162426.2, NM_001406597.1, NM_001406598.1 and 2 more transcripts); c.3076A>T, p.Thr1026Ser (NM_001162427.2, NM_001406610.1); c.2866A>T, p.Thr956Ser (NM_001362177.2, NM_001406614.1, NM_001406615.1 and 4 more transcripts); c.3229A>T, p.Thr1077Ser (NM_001406592.1, NM_001406593.1, NM_001406594.1 and 2 more transcripts); c.3214A>T, p.Thr1072Ser (NM_001406601.1, NM_001406602.1); c.3211A>T, p.Thr1071Ser (NM_001406603.1, NM_001406604.1); c.3187A>T, p.Thr1063Ser (NM_001406605.1, NM_001406606.1, NM_001406607.1); c.3184A>T, p.Thr1062Ser (NM_001406608.1, NM_001406609.1); and 8 more; short protein forms T1011S, T1025S, T1026S, T1062S, T1063S, T1071S, T1072S, T1076S.
Identifiers: ClinVar variation 3231318 (VCV003231318.1), dbSNP rs1845057502, ClinGen allele CA375366934.

ClinVar aggregate classification (germline): Uncertain significance (1 of 4 stars; one submission).

Conditions:
Hereditary cancer-predisposing syndrome. Also called: Neoplastic Syndromes, Hereditary; Tumor predisposition; Hereditary neoplastic syndrome; Hereditary Cancer Syndrome. Identifiers: Orphanet 140162, MedGen C0027672, MeSH D009386, MONDO:0015356.

Submission:

Ambry Genetics
Classification: Uncertain significance for Hereditary cancer-predisposing syndrome. Last evaluated: 2023-12-07. Review status: criteria provided, single submitter. Criteria: Ambry Variant Classification Scheme 2023. Collection method: clinical testing. Allele origin: germline.
Comment: The p.T1077S variant (also known as c.3229A>T), located in coding exon 21 of the TSC1 gene, results from an A to T substitution at nucleotide position 3229. The threonine at codon 1077 is replaced by serine, an amino acid with similar properties. This amino acid position is conserved. In addition, this alteration is predicted to be tolerated by in silico analysis. Since supporting evidence is limited at this time, the clinical significance of this alteration remains unclear.